The following is an entry in ClinVar:

ClinVar aggregate classification (germline): Uncertain significance (1 of 4 stars; one submission).

Allele frequency attached by ClinVar (database versions not stated): TOPMed below 0.00001.
gnomAD v4.1: 2 of 1,611,212 alleles (0.00012%); highest among the groups gnomAD compares: Admixed American, 0.0017%; no homozygotes.

Submission:

GeneDx
Classification: Uncertain significance. Last evaluated: 2017-05-21. Review status: criteria provided, single submitter. Criteria: GeneDx Variant Classification (06012015). Collection method: clinical testing. Allele origin: germline. Affected: yes.
Comment: The A930V variant in the PXDN gene has not been reported previously as a pathogenic variant, nor as a benign variant, to our knowledge. The A930V variant is not observed in large population cohorts (Lek et al., 2016; 1000 Genomes Consortium et al., 2015; Exome Variant Server). The A930V variant is a conservative amino acid substitution, which is not likely to impact secondary protein structure as these residues share similar properties. This substitution occurs at a position that is not conserved. In silico analysis is inconsistent in its predictions as to whether or not the variant is damaging to the protein structure/function. We interpret A930V as a variant of uncertain significance.

NM_012293.3(PXDN):c.2789C>T (p.Ala930Val)

Gene: PXDN (peroxidasin; minus strand). Cytogenetic location: 2p25.3.
Variant type: single nucleotide variant.
Coding change: c.2789C>T on transcript NM_012293.3 (MANE Select); coding-DNA position 2789, C replaced by T.
Protein change: p.Ala930Val; replaces alanine 930 with valine.
Molecular consequence: missense variant.
Genome position (GRCh38, 1-based): chr2:1,648,991, G>A on the plus strand (C>T on the coding strand, the complement: PXDN is on the minus strand). VCF-style: chr2-1648991-G-A. GRCh37 (hg19) VCF-style: chr2-1652763-G-A.
Other names: short protein forms A930V.
Identifiers: ClinVar variation 430142 (VCV000430142.2), dbSNP rs1131691798, ClinGen allele CA345704528.